The following is an entry in ClinVar:

NM_025137.4(SPG11):c.805G>A (p.Asp269Asn)

Gene: SPG11 (SPG11 vesicle trafficking associated, spatacsin; minus strand). Cytogenetic location: 15q21.1.
Variant type: single nucleotide variant.
Coding change: c.805G>A on transcript NM_025137.4 (MANE Select); coding-DNA position 805, G replaced by A.
Protein change: p.Asp269Asn; replaces aspartic acid 269 with asparagine.
Molecular consequence: missense variant.
Genome position (GRCh38, 1-based): chr15:44,657,159, C>T on the plus strand (G>A on the coding strand, the complement: SPG11 is on the minus strand). VCF-style: chr15-44657159-C-T. GRCh37 (hg19) VCF-style: chr15-44949357-C-T.
Other names: c.805G>A, p.Asp269Asn (NM_001160227.2); short protein forms D269N.
Identifiers: ClinVar variation 884809 (VCV000884809.8), dbSNP rs759231633, ClinGen allele CA7535717.

ClinVar aggregate classification (germline): Uncertain significance. Review status: criteria provided, multiple submitters, no conflicts (2 of 4 stars). 4 submissions from 4 submitters: Uncertain significance (4). Last evaluated 2026-02-05.

Conditions:
Hereditary spastic paraplegia 11. Also called: Spastic paraplegia, mental retardation and thin corpus callosum; Spastic Paraplegia 11; SPASTIC PARAPLEGIA, AUTOSOMAL RECESSIVE, COMPLICATED, WITH THIN CORPUS CALLOSUM; SPASTIC PARAPLEGIA, AUTOSOMAL RECESSIVE, WITH MENTAL IMPAIRMENT AND THIN CORPUS CALLOSUM; Nakamura Osame syndrome; Autosomal recessive hereditary spastic paraplegia, mental impairment, and thin corpus callosum. Identifiers: Orphanet 2822, MedGen C1858479, MONDO:0011445, OMIM 604360.

Allele frequency attached by ClinVar (database versions not stated): ExAC 0.00002; gnomAD 0.00001; TOPMed 0.00001; gnomAD exomes 0.00002.
gnomAD v4.1: 34 of 1,614,034 alleles (0.0021%); highest among the groups gnomAD compares: East Asian, 0.062%; no homozygotes.

Submissions (4):

GeneDx
Classification: Uncertain significance. Last evaluated: 2026-02-05. Review status: criteria provided, single submitter. Criteria: GeneDx Variant Classification Process June 2021. Collection method: clinical testing. Allele origin: germline.
Comment: Reported in two individuals in published literature with sporadic amyotrophic lateral sclerosis, but the zygosity was not indicated and a second SPG11 variant was not identified in these individuals (PMID: 26742954); In silico analysis suggests that this missense variant does not alter protein structure/function; This variant is associated with the following publications: (PMID: 26742954)

Labcorp Genetics (formerly Invitae), Labcorp
Classification: Uncertain significance for Hereditary spastic paraplegia 11. Last evaluated: 2024-08-27. Review status: criteria provided, single submitter. Criteria: Invitae Variant Classification Sherloc (09022015). Collection method: clinical testing. Allele origin: germline.
Comment: This sequence change replaces aspartic acid, which is acidic and polar, with asparagine, which is neutral and polar, at codon 269 of the SPG11 protein (p.Asp269Asn). This variant is present in population databases (rs759231633, gnomAD 0.02%). This missense change has been observed in individual(s) with amyotrophic lateral sclerosis (PMID: 26742954). ClinVar contains an entry for this variant (Variation ID: 884809). Invitae Evidence Modeling of protein sequence and biophysical properties (such as structural, functional, and spatial information, amino acid conservation, physicochemical variation, residue mobility, and thermodynamic stability) indicates that this missense variant is not expected to disrupt SPG11 protein function with a negative predictive value of 80%. In summary, the available evidence is currently insufficient to determine the role of this variant in disease. Therefore, it has been classified as a Variant of Uncertain Significance.

Revvity Omics, Revvity
Classification: Uncertain significance. Last evaluated: 2021-05-06. Review status: criteria provided, single submitter. Criteria: ACMG Guidelines, 2015. Collection method: clinical testing. Allele origin: germline.

Illumina Laboratory Services, Illumina
Classification: Uncertain significance for Hereditary spastic paraplegia 11. Last evaluated: 2018-01-12. Review status: criteria provided, single submitter. Criteria: ICSL Variant Classification Criteria 13 December 2019. Collection method: clinical testing. Allele origin: germline.

Literature cited by the submitters: PubMed 26742954 (cited by Labcorp Genetics (formerly Invitae), Labcorp).